The following is an entry in ClinVar:

NM_004380.3(CREBBP):c.2891C>T (p.Ala964Val)

Gene: CREBBP (CREB binding lysine acetyltransferase; minus strand). Cytogenetic location: 16p13.3.
Variant type: single nucleotide variant.
Coding change: c.2891C>T on transcript NM_004380.3 (MANE Select); coding-DNA position 2891, C replaced by T.
Protein change: p.Ala964Val; replaces alanine 964 with valine.
Molecular consequence: missense variant.
Genome position (GRCh38, 1-based): chr16:3,769,343, G>A on the plus strand (C>T on the coding strand, the complement: CREBBP is on the minus strand). VCF-style: chr16-3769343-G-A. GRCh37 (hg19) VCF-style: chr16-3819344-G-A.
Other names: c.2777C>T, p.Ala926Val (NM_001079846.1); short protein forms A926V, A964V.
Identifiers: ClinVar variation 3764564 (VCV003764564.2).

ClinVar aggregate classification (germline): Uncertain significance. Review status: criteria provided, single submitter (1 of 4 stars). 2 submissions from 1 submitter: Uncertain significance (2). Last evaluated 2024-04-01.

Conditions:
Rubinstein-Taybi syndrome due to CREBBP mutations (RSTS1). Also called: BROAD THUMBS AND GREAT TOES, CHARACTERISTIC FACIES, AND IMPAIRED INTELLECTUAL DEVELOPMENT; CREBBP-Related Rubinstein-Taybi Syndrome; BROAD THUMB-HALLUX SYNDROME; Rubinstein-Taybi syndrome 1; RUBINSTEIN SYNDROME; RUBINSTEIN-TAYBI SYNDROME 1, INCOMPLETE. Identifiers: Orphanet 353277, Orphanet 783, MedGen C4551859, MONDO:0008393, OMIM 180849.
Primary ciliary dyskinesia 3. Identifiers: Orphanet 244, MedGen C1837618, MONDO:0012085, OMIM 608644.

gnomAD v4.1: 4 of 1,614,090 alleles (0.00025%); highest among the groups gnomAD compares: African/African-American, 0.0027%; no homozygotes.

Submissions (2):

Daryl Scott Lab, Baylor College of Medicine
Classification: Uncertain significance for Primary ciliary dyskinesia 3. Last evaluated: 2024-04-01. Review status: criteria provided, single submitter. Criteria: ACMG Guidelines, 2015. Collection method: clinical testing. Allele origin: de novo. Observed: 1 heterozygote.
Comment: PS2

Daryl Scott Lab, Baylor College of Medicine
Classification: Uncertain significance for Rubinstein-Taybi syndrome due to CREBBP mutations. Last evaluated: 2024-01-01. Review status: criteria provided, single submitter. Criteria: ACMG Guidelines, 2015. Collection method: clinical testing. Allele origin: de novo. Observed: 1 heterozygote.
Comment: PS2, PM2